The following is an entry in ClinVar:

ClinVar aggregate classification (germline): Likely benign. Review status: criteria provided, multiple submitters, no conflicts (2 of 4 stars). 3 submissions from 3 submitters: Likely benign (3). Last evaluated 2026-09-01.

Conditions:
Fanconi anemia (FA). Also called: Fanconi's anemia. Identifiers: Orphanet 84, MedGen C0015625, MeSH D005199, MONDO:0019391.

Submissions (3):

CeGaT Center for Human Genetics Tuebingen
Classification: Likely benign. Last evaluated: 2026-09-01. Review status: criteria provided, single submitter. Criteria: CeGaT Center For Human Genetics Tuebingen Variant Classification Criteria Version 2. Collection method: clinical testing. Allele origin: germline. Affected: yes. Observed: 1 variant allele.
Comment: FANCI: PM2:Supporting, BP4, BP7

Blueprint Genetics
Classification: Likely benign. Last evaluated: 2023-11-29. Review status: criteria provided, single submitter. Criteria: ACMG Guidelines, 2015. Collection method: clinical testing. Allele origin: germline.

Labcorp Genetics (formerly Invitae), Labcorp
Classification: Likely benign for Fanconi anemia. Last evaluated: 2023-03-27. Review status: criteria provided, single submitter. Criteria: Invitae Variant Classification Sherloc (09022015). Collection method: clinical testing. Allele origin: germline.

NM_001113378.2(FANCI):c.840A>G (p.Lys280=)

Gene: FANCI (FA complementation group I; plus strand). Cytogenetic location: 15q26.1.
Variant type: single nucleotide variant.
Coding change: c.840A>G on transcript NM_001113378.2 (MANE Select); coding-DNA position 840, A replaced by G.
Protein change: p.Lys280=; no amino-acid change (lysine 280 retained).
Molecular consequence: synonymous variant.
Genome position (GRCh38, 1-based): chr15:89,268,483, A>G. VCF-style: chr15-89268483-A-G. GRCh37 (hg19) VCF-style: chr15-89811714-A-G.
Other names: c.561A>G, p.Lys187= (NM_001376910.1); c.840A>G, p.Lys280= (NM_001376911.1, NM_018193.3).
Identifiers: ClinVar variation 2850133 (VCV002850133.5), dbSNP rs2506071274, ClinGen allele CA492066745.